The following is an entry in ClinVar:

NM_002485.5(NBN):c.715A>G (p.Ser239Gly)

Gene: NBN (nibrin; minus strand). Cytogenetic location: 8q21.3.
Variant type: single nucleotide variant.
Coding change: c.715A>G on transcript NM_002485.5 (MANE Select); coding-DNA position 715, A replaced by G.
Protein change: p.Ser239Gly; replaces serine 239 with glycine.
Molecular consequence: missense variant.
Genome position (GRCh38, 1-based): chr8:89,970,545, T>C on the plus strand (A>G on the coding strand, the complement: NBN is on the minus strand). VCF-style: chr8-89970545-T-C. GRCh37 (hg19) VCF-style: chr8-90982773-T-C.
Other names: c.469A>G, p.Ser157Gly (NM_001024688.3); short protein forms S157G, S239G.
Identifiers: ClinVar variation 969324 (VCV000969324.10), dbSNP rs587781868, ClinGen allele CA371658875.

ClinVar aggregate classification (germline): Uncertain significance. Review status: criteria provided, multiple submitters, no conflicts (2 of 4 stars). 2 submissions from 2 submitters: Uncertain significance (2). Last evaluated 2024-06-05.

Conditions:
Hereditary cancer-predisposing syndrome. Also called: Hereditary neoplastic syndrome; Hereditary Cancer Syndrome; Tumor predisposition; Neoplastic Syndromes, Hereditary. Identifiers: Orphanet 140162, MedGen C0027672, MeSH D009386, MONDO:0015356.
Microcephaly, normal intelligence and immunodeficiency (NBS). Also called: Nijmegen breakage syndrome; Microcephaly with normal intelligence immunodeficiency and lymphoreticular malignancies; Nonsyndromal microcephaly autosomal recessive with normal intelligence; Seemanova syndrome 2; IMMUNODEFICIENCY, MICROCEPHALY, AND CHROMOSOMAL INSTABILITY; Ataxia telangiectasia variant V1. Identifiers: Orphanet 647, MedGen C0398791, MONDO:0009623, OMIM 251260.

Submissions (2):

Ambry Genetics
Classification: Uncertain significance for Hereditary cancer-predisposing syndrome. Last evaluated: 2024-06-05. Review status: criteria provided, single submitter. Criteria: Ambry Variant Classification Scheme 2023. Collection method: clinical testing. Allele origin: germline.
Comment: The p.S239G variant (also known as c.715A>G), located in coding exon 7 of the NBN gene, results from an A to G substitution at nucleotide position 715. The serine at codon 239 is replaced by glycine, an amino acid with similar properties. This amino acid position is conserved. In addition, this alteration is predicted to be tolerated by in silico analysis. Based on the available evidence, the clinical significance of this variant remains unclear.

Labcorp Genetics (formerly Invitae), Labcorp
Classification: Uncertain significance for Microcephaly, normal intelligence and immunodeficiency. Last evaluated: 2019-09-29. Review status: criteria provided, single submitter. Criteria: Invitae Variant Classification Sherloc (09022015). Collection method: clinical testing. Allele origin: germline.
Comment: This sequence change replaces serine with glycine at codon 239 of the NBN protein (p.Ser239Gly). The serine residue is moderately conserved and there is a small physicochemical difference between serine and glycine. This variant is not present in population databases (ExAC no frequency). This variant has not been reported in the literature in individuals with NBN-related conditions. Algorithms developed to predict the effect of missense changes on protein structure and function (SIFT, PolyPhen-2, Align-GVGD) all suggest that this variant is likely to be tolerated, but these predictions have not been confirmed by published functional studies and their clinical significance is uncertain. In summary, the available evidence is currently insufficient to determine the role of this variant in disease. Therefore, it has been classified as a Variant of Uncertain Significance.